The following is an entry in ClinVar:

NM_007294.4(BRCA1):c.2531G>T (p.Ser844Ile)

Gene: BRCA1 (BRCA1 DNA repair associated; minus strand). Cytogenetic location: 17q21.31.
Variant type: single nucleotide variant.
Coding change: c.2531G>T on transcript NM_007294.4 (MANE Select); coding-DNA position 2531, G replaced by T.
Protein change: p.Ser844Ile; replaces serine 844 with isoleucine.
Molecular consequence: missense variant. On other transcripts: intron variant (137).
Genome position (GRCh38, 1-based): chr17:43,093,000, C>A on the plus strand (G>T on the coding strand, the complement: BRCA1 is on the minus strand). VCF-style: chr17-43093000-C-A. GRCh37 (hg19) VCF-style: chr17-41245017-C-A.
Other names: c.2198G>T, p.Ser733Ile (NM_001407946.1, NM_001407948.1, NM_001407947.1 and 6 more transcripts); c.2408G>T, p.Ser803Ile (NM_001407683.1, NM_001407863.1, NM_001407919.1 and 19 more transcripts); c.2531G>T, p.Ser844Ile (NM_001407684.1, NM_001407854.1, NM_001407858.1 and 30 more transcripts); c.2405G>T, p.Ser802Ile (NM_001407685.1, NM_001407686.1, NM_001407687.1 and 11 more transcripts); c.2195G>T, p.Ser732Ile (NM_001407954.1, NM_001407955.1, NM_001407956.1 and 1 more transcripts); c.2390G>T, p.Ser797Ile (NM_001407698.1, NM_001407696.1, NM_001407694.1 and 29 more transcripts); c.2150G>T, p.Ser717Ile (NM_001407960.1, NM_001407963.1, NM_001407959.1); c.2147G>T, p.Ser716Ile (NM_001407962.1); and 41 more; short protein forms S548I, S676I, S716I, S717I, S732I, S733I, S755I, S756I.
Identifiers: ClinVar variation 4800847 (VCV004800847.1).

ClinVar aggregate classification (germline): Uncertain significance (1 of 4 stars; one submission).

Conditions:
Hereditary breast ovarian cancer syndrome. Also called: Hereditary breast and ovarian cancer syndrome (HBOC); Hereditary breast and ovarian cancer; Breast and ovarian cancer; Hereditary breast and/or ovarian cancer syndrome; BRCA1- and BRCA2-Associated Hereditary Breast and Ovarian Cancer; Hereditary breast and ovarian cancer syndrome. Identifiers: Orphanet 145, MedGen C0677776, MeSH D061325, MONDO:0003582. Disease mechanism: loss of function.

Submission:

Labcorp Genetics (formerly Invitae), Labcorp
Classification: Uncertain significance for Hereditary breast ovarian cancer syndrome. Last evaluated: 2025-08-24. Review status: criteria provided, single submitter. Criteria: Invitae Variant Classification Sherloc (09022015). Collection method: clinical testing. Allele origin: germline.
Comment: This sequence change replaces serine, which is neutral and polar, with isoleucine, which is neutral and non-polar, at codon 844 of the BRCA1 protein (p.Ser844Ile). This variant is not present in population databases (gnomAD no frequency). This variant has not been reported in the literature in individuals affected with BRCA1-related conditions. Invitae Evidence Modeling of protein sequence and biophysical properties (such as structural, functional, and spatial information, amino acid conservation, physicochemical variation, residue mobility, and thermodynamic stability) indicates that this missense variant is not expected to disrupt BRCA1 protein function with a negative predictive value of 80%. In summary, the available evidence is currently insufficient to determine the role of this variant in disease. Therefore, it has been classified as a Variant of Uncertain Significance.